The following is an entry in ClinVar:

NM_001372051.1(CASP8):c.883A>G (p.Ile295Val)

Gene: CASP8 (caspase 8; plus strand). Cytogenetic location: 2q33.1.
Variant type: single nucleotide variant.
Coding change: c.883A>G on transcript NM_001372051.1 (MANE Select); coding-DNA position 883, A replaced by G.
Protein change: p.Ile295Val; replaces isoleucine 295 with valine.
Molecular consequence: missense variant. On other transcripts: non-coding transcript variant (22), intron variant (1).
Genome position (GRCh38, 1-based): chr2:201,284,896, A>G. VCF-style: chr2-201284896-A-G. GRCh37 (hg19) VCF-style: chr2-202149619-A-G.
Other names: c.838A>G, p.Ile280Val (NM_001400658.1, NM_001400659.1, NM_001400660.1 and 5 more transcripts); c.814A>G, p.Ile272Val (NM_001400664.1); c.808A>G, p.Ile270Val (NM_001400665.1); c.676A>G, p.Ile226Val (NM_001400666.1); c.631A>G, p.Ile211Val (NM_001400667.1, NM_001400668.1); c.803-367A>G (NM_001400670.1); c.1060A>G, p.Ile354Val (NM_001080125.2); c.934A>G, p.Ile312Val (NM_001228.5); and 7 more; short protein forms I280V, I295V, I312V, I354V, I192V, I211V, I226V, I270V.
Identifiers: ClinVar variation 968955 (VCV000968955.4), dbSNP rs979257464, ClinGen allele CA63892439.

ClinVar aggregate classification (germline): Conflicting classifications of pathogenicity. Review status: criteria provided, conflicting classifications (1 of 4 stars). 2 submissions from 2 submitters: Uncertain significance (1); Likely benign (1). Last evaluated 2024-09-23.

Conditions:
Autoimmune lymphoproliferative syndrome type 2B. Also called: AUTOIMMUNE LYMPHOPROLIFERATIVE SYNDROME, TYPE IIB. Identifiers: Orphanet 275517, MedGen C1846545, MONDO:0011804, OMIM 607271.

Allele frequency attached by ClinVar (database versions not stated): TOPMed 0.00001.
gnomAD v4.1: 20 of 1,614,090 alleles (0.0012%); highest among the groups gnomAD compares: African/African-American, 0.016%; no homozygotes.

Submissions (2):

Blueprint Genetics
Classification: Likely benign. Last evaluated: 2024-09-23. Review status: criteria provided, single submitter. Criteria: ACMG Guidelines, 2015. Collection method: clinical testing. Allele origin: germline.

Labcorp Genetics (formerly Invitae), Labcorp
Classification: Uncertain significance for Autoimmune lymphoproliferative syndrome type 2B. Last evaluated: 2022-07-11. Review status: criteria provided, single submitter. Criteria: Invitae Variant Classification Sherloc (09022015). Collection method: clinical testing. Allele origin: germline.
Comment: This sequence change replaces isoleucine, which is neutral and non-polar, with valine, which is neutral and non-polar, at codon 312 of the CASP8 protein (p.Ile312Val). This variant is not present in population databases (gnomAD no frequency). This variant has not been reported in the literature in individuals affected with CASP8-related conditions. ClinVar contains an entry for this variant (Variation ID: 968955). Algorithms developed to predict the effect of missense changes on protein structure and function output the following: SIFT: "Tolerated"; PolyPhen-2: "Benign"; Align-GVGD: "Class C0". The valine amino acid residue is found in multiple mammalian species, which suggests that this missense change does not adversely affect protein function. In summary, the available evidence is currently insufficient to determine the role of this variant in disease. Therefore, it has been classified as a Variant of Uncertain Significance.